The following is an entry in ClinVar:

ClinVar aggregate classification (germline): Uncertain significance (1 of 4 stars; one submission).

Conditions:
Inborn genetic diseases. Identifiers: MedGen C0950123, MeSH D030342.

gnomAD v4.1: 3 of 1,614,140 alleles (0.00019%); highest among the groups gnomAD compares: Non-Finnish European, 0.00025%; no homozygotes.

Submission:

Ambry Genetics
Classification: Uncertain significance for Inborn genetic diseases. Last evaluated: 2024-11-24. Review status: criteria provided, single submitter. Criteria: Ambry Variant Classification Scheme 2023. Collection method: clinical testing. Allele origin: germline.
Comment: The p.P263A variant (also known as c.787C>G), located in coding exon 7 of the USB1 gene, results from a C to G substitution at nucleotide position 787. The proline at codon 263 is replaced by alanine, an amino acid with highly similar properties. This amino acid position is conserved. In addition, this alteration is predicted to be tolerated by in silico analysis. Based on the available evidence, the clinical significance of this variant remains unclear.

NM_024598.4(USB1):c.787C>G (p.Pro263Ala)

Gene: USB1 (U6 snRNA biogenesis phosphodiesterase 1; plus strand). Cytogenetic location: 16q21.
Variant type: single nucleotide variant.
Coding change: c.787C>G on transcript NM_024598.4 (MANE Select); coding-DNA position 787, C replaced by G.
Protein change: p.Pro263Ala; replaces proline 263 with alanine.
Molecular consequence: missense variant.
Genome position (GRCh38, 1-based): chr16:58,020,234, C>G. VCF-style: chr16-58020234-C-G. GRCh37 (hg19) VCF-style: chr16-58054138-C-G.
Other names: c.733C>G, p.Pro245Ala (NM_001195302.2); c.634C>G, p.Pro212Ala (NM_001330568.2); short protein forms P263A, P212A, P245A.
Identifiers: ClinVar variation 3466474 (VCV003466474.1).